The following is an entry in ClinVar:

NM_004329.3(BMPR1A):c.1281G>A (p.Met427Ile)

Gene: BMPR1A (bone morphogenetic protein receptor type 1A; plus strand). Cytogenetic location: 10q23.2.
Variant type: single nucleotide variant.
Coding change: c.1281G>A on transcript NM_004329.3 (MANE Select); coding-DNA position 1281, G replaced by A.
Protein change: p.Met427Ile; replaces methionine 427 with isoleucine.
Molecular consequence: missense variant.
Genome position (GRCh38, 1-based): chr10:86,921,634, G>A. VCF-style: chr10-86921634-G-A. GRCh37 (hg19) VCF-style: chr10-88681391-G-A.
Other names: short protein forms M427I.
Identifiers: ClinVar variation 929069 (VCV000929069.11), dbSNP rs769212314, ClinGen allele CA5585678.
Genomic context (GRCh38, chr10:86,921,634, plus strand): 5'-CATGGCTCCCGAAGTGCTGGACGAAAGCCTGAACAAAAACCACTTCCAGCCCTACATCAT[G>A]GCTGACATCTACAGCTTCGGCCTAATCATTTGGGAGATGGCTCGTCGTTGTATCACAGGA-3'
Protein context (NP_004320.2, residues 417-437): LNKNHFQPYI[Met427Ile]ADIYSFGLII

ClinVar aggregate classification (germline): Uncertain significance. Review status: criteria provided, multiple submitters, no conflicts (2 of 4 stars). 5 submissions from 5 submitters: Uncertain significance (5). Last evaluated 2026-08-18.

Conditions:
Juvenile polyposis syndrome (JPS). Identifiers: Orphanet 2929, MedGen C0345893, MONDO:0017380, OMIM 174900.
Hereditary cancer-predisposing syndrome. Also called: Neoplastic Syndromes, Hereditary; Hereditary Cancer Syndrome; Tumor predisposition; Hereditary neoplastic syndrome. Identifiers: Orphanet 140162, MedGen C0027672, MeSH D009386, MONDO:0015356.

Allele frequency attached by ClinVar (database versions not stated): gnomAD exomes below 0.00001; ExAC 0.00001.

Submissions (5):

Ambry Genetics
Classification: Uncertain significance for Hereditary cancer-predisposing syndrome. Last evaluated: 2026-08-18. Review status: criteria provided, single submitter. Criteria: Ambry Variant Classification Scheme 2023. Collection method: clinical testing. Allele origin: germline.
Comment: The p.M427I variant (also known as c.1281G>A), located in coding exon 9 of the BMPR1A gene, results from a G to A substitution at nucleotide position 1281. The methionine at codon 427 is replaced by isoleucine, an amino acid with highly similar properties. This amino acid position is highly conserved in available vertebrate species. In addition, this alteration is predicted to be deleterious by in silico analysis. Based on the available evidence, the clinical significance of this variant remains unclear.

Labcorp Genetics (formerly Invitae), Labcorp
Classification: Uncertain significance for Juvenile polyposis syndrome. Last evaluated: 2026-01-09. Review status: criteria provided, single submitter. Criteria: Invitae Variant Classification Sherloc (09022015). Collection method: clinical testing. Allele origin: germline.
Comment: This sequence change replaces methionine, which is neutral and non-polar, with isoleucine, which is neutral and non-polar, at codon 427 of the BMPR1A protein (p.Met427Ile). This variant is present in population databases (rs769212314, gnomAD 0.003%). This variant has not been reported in the literature in individuals affected with BMPR1A-related conditions. ClinVar contains an entry for this variant (Variation ID: 929069). Invitae Evidence Modeling of protein sequence and biophysical properties (such as structural, functional, and spatial information, amino acid conservation, physicochemical variation, residue mobility, and thermodynamic stability) has been performed for this missense variant. However, the output from this modeling did not meet the statistical confidence thresholds required to predict the impact of this variant on BMPR1A protein function. In summary, the available evidence is currently insufficient to determine the role of this variant in disease. Therefore, it has been classified as a Variant of Uncertain Significance.

Color Diagnostics, LLC DBA Color Health
Classification: Uncertain significance for Hereditary cancer-predisposing syndrome. Last evaluated: 2021-02-18. Review status: criteria provided, single submitter. Criteria: ACMG Guidelines, 2015. Collection method: clinical testing. Allele origin: germline.
Comment: This missense variant replaces methionine with isoleucine at codon 427 of the BMPR1A protein. Computational prediction suggests that this variant may have deleterious impact on protein structure and function (internally defined REVEL score threshold >= 0.7, PMID: 27666373). To our knowledge, functional studies have not been reported for this variant. This variant has not been reported in individuals affected with hereditary cancer in the literature. This variant has been identified in 1/251496 chromosomes in the general population by the Genome Aggregation Database (gnomAD). The available evidence is insufficient to determine the role of this variant in disease conclusively. Therefore, this variant is classified as a Variant of Uncertain Significance.

GeneDx
Classification: Uncertain significance. Last evaluated: 2019-11-19. Review status: criteria provided, single submitter. Criteria: GeneDx Variant Classification Process June 2021. Collection method: clinical testing. Allele origin: germline. Affected: yes.
Comment: Not observed at a significant frequency in large population cohorts (Lek et al., 2016); In silico analysis, which includes protein predictors and evolutionary conservation, supports that this variant does not alter protein structure/function; Has not been previously published as pathogenic or benign to our knowledge

Women's Health and Genetics/Laboratory Corporation of America, LabCorp
Classification: Uncertain significance. Last evaluated: 2019-05-02. Review status: criteria provided, single submitter. Criteria: LabCorp Variant Classification Summary - May 2015. Collection method: clinical testing. Allele origin: germline.
Comment: Variant summary: BMPR1A c.1281G>A (p.Met427Ile) results in a conservative amino acid change located in the Protein kinase domain (IPR000719) of the encoded protein sequence. Three of five in-silico tools predict a damaging effect of the variant on protein function. The variant allele was found at a frequency of 4e-06 in 251496 control chromosomes (gnomAD). The available data on variant occurrences in the general population are insufficient to allow any conclusion about variant significance. To our knowledge, no occurrence of c.1281G>A in individuals affected with Juvenile Polyposis Syndrome and no experimental evidence demonstrating its impact on protein function have been reported. No clinical diagnostic laboratories have submitted clinical-significance assessments for this variant to ClinVar after 2014. Based on the evidence outlined above, the variant was classified as uncertain significance.